The following is an entry in ClinVar:

NM_005120.3(MED12):c.6300G>A (p.Gln2100=)

Gene: MED12 (mediator complex subunit 12; plus strand). Cytogenetic location: Xq13.1.
Variant type: single nucleotide variant.
Coding change: c.6300G>A on transcript NM_005120.3 (MANE Select); coding-DNA position 6300, G replaced by A.
Protein change: p.Gln2100=; no amino-acid change (glutamine 2100 retained).
Molecular consequence: synonymous variant.
Genome position (GRCh38, 1-based): chrX:71,141,262, G>A. VCF-style: chrX-71141262-G-A. GRCh37 (hg19) VCF-style: chrX-70361112-G-A.
Identifiers: ClinVar variation 458827 (VCV000458827.13), dbSNP rs1556340080, ClinGen allele CA516728474.
Genomic context (GRCh38, chrX:71,141,262, plus strand): 5'-TTCTGAAGTATCTTTTGTGTTCTTATAGCAGCAGCAGCAACAGCAACAGCAGCAGCAGCA[G>A]CAGCAGCAACAGCAACAGCAGCAGCAGCAACAGCAACAACAGCAACACCAGCAGCAACAG-3'
Protein context (NP_005111.2, residues 2090-2110): QQQQQQQQQQ[Gln2100=]QQQQQQQQQQ

ClinVar aggregate classification (germline): Likely benign. Review status: criteria provided, multiple submitters, no conflicts (2 of 4 stars). 2 submissions from 2 submitters: Likely benign (2). Last evaluated 2026-01-01.

Conditions:
FG syndrome (FGS). Identifiers: MedGen C0220769, MONDO:0002010.

Submissions (2):

CeGaT Center for Human Genetics Tuebingen
Classification: Likely benign. Last evaluated: 2026-01-01. Review status: criteria provided, single submitter. Criteria: CeGaT Center For Human Genetics Tuebingen Variant Classification Criteria Version 2. Collection method: clinical testing. Allele origin: germline. Affected: yes. Observed: 1 variant allele.
Comment: MED12: BP4, BP7

Labcorp Genetics (formerly Invitae), Labcorp
Classification: Likely benign for FG syndrome. Last evaluated: 2017-07-16. Review status: criteria provided, single submitter. Criteria: Invitae Variant Classification Sherloc (09022015). Collection method: clinical testing. Allele origin: germline.